The following is an entry in ClinVar:

NM_030962.4(SBF2):c.4509C>T (p.His1503=)

Genes: SBF2 (SET binding factor 2; minus strand), SBF2-AS1 (SBF2 antisense RNA 1; plus strand). Cytogenetic location: 11p15.4.
Variant type: single nucleotide variant.
Coding change: c.4509C>T on transcript NM_030962.4 (MANE Select); coding-DNA position 4509, C replaced by T.
Protein change: p.His1503=; no amino-acid change (histidine 1503 retained).
Molecular consequence: synonymous variant.
Genome position (GRCh38, 1-based): chr11:9,795,892, G>A on the plus strand (C>T on the coding strand, the complement: SBF2 is on the minus strand). VCF-style: chr11-9795892-G-A. GRCh37 (hg19) VCF-style: chr11-9817439-G-A.
Other names: c.4605C>T, p.His1535= (NM_001386339.1); c.4380C>T, p.His1460= (NM_001386342.1).
Identifiers: ClinVar variation 383330 (VCV000383330.16), dbSNP rs138816399, ClinGen allele CA5880967.
Genomic context (GRCh38, chr11:9,795,892, plus strand): 5'-GTGCTCTAATCTTTCATAGTCTGAATCCAGGAGAAATGTTTTAAAGCGATTAGACACATA[G>A]TGGAAAGCCAAGAACTTTAAGTAATAGAGATTGAATTCAAACTCAGTTGGATACTGGTTG-3'
Protein context (NP_112224.1, residues 1493-1513): NLYYLKFLAF[His1503=]YVSNRFKTFL

ClinVar aggregate classification (germline): Likely benign. Review status: criteria provided, multiple submitters, no conflicts (2 of 4 stars). 3 submissions from 3 submitters: Likely benign (3). Last evaluated 2025-09-21.

Conditions:
Inborn genetic diseases. Identifiers: MedGen C0950123, MeSH D030342.
Charcot-Marie-Tooth disease type 4. Also called: Charcot-Marie-Tooth disease, type IV; Charcot-Marie-Tooth, Type 4. Identifiers: Orphanet 64749, MedGen C4082197, MONDO:0018995.

Allele frequency attached by ClinVar (database versions not stated): ExAC 0.00001; gnomAD 0.00001; gnomAD exomes 0.00002 and 0.00004; TOPMed 0.00002; ESP Exome Variant Server 0.00015.
gnomAD v4.1: 57 of 1,613,536 alleles (0.0035%); highest among the groups gnomAD compares: Non-Finnish European, 0.0045%; no homozygotes.

Submissions (3):

Labcorp Genetics (formerly Invitae), Labcorp
Classification: Likely benign for Charcot-Marie-Tooth disease type 4. Last evaluated: 2025-09-21. Review status: criteria provided, single submitter. Criteria: Invitae Variant Classification Sherloc (09022015). Collection method: clinical testing. Allele origin: germline.

Ambry Genetics
Classification: Likely benign for Inborn genetic diseases. Last evaluated: 2019-07-11. Review status: criteria provided, single submitter. Criteria: Ambry Variant Classification Scheme 2023. Collection method: clinical testing. Allele origin: germline.

GeneDx
Classification: Likely benign. Last evaluated: 2016-01-25. Review status: criteria provided, single submitter. Criteria: GeneDx Variant Classification (06012015). Collection method: clinical testing. Allele origin: germline. Affected: yes.
Comment: This variant is considered likely benign or benign based on one or more of the following criteria: it is a conservative change, it occurs at a poorly conserved position in the protein, it is predicted to be benign by multiple in silico algorithms, and/or has population frequency not consistent with disease.